The following is an entry in ClinVar:

ClinVar aggregate classification (germline): Uncertain significance (1 of 4 stars; one submission).

Submission:

Labcorp Genetics (formerly Invitae), Labcorp
Classification: Uncertain significance. Last evaluated: 2023-07-07. Review status: criteria provided, single submitter. Criteria: Invitae Variant Classification Sherloc (09022015). Collection method: clinical testing. Allele origin: germline.
Comment: This sequence change replaces valine, which is neutral and non-polar, with methionine, which is neutral and non-polar, at codon 302 of the CTU2 protein (p.Val302Met). This variant is not present in population databases (gnomAD no frequency). This variant has not been reported in the literature in individuals affected with CTU2-related conditions. ClinVar contains an entry for this variant (Variation ID: 2067071). Advanced modeling of protein sequence and biophysical properties (such as structural, functional, and spatial information, amino acid conservation, physicochemical variation, residue mobility, and thermodynamic stability) performed at Invitae indicates that this missense variant is not expected to disrupt CTU2 protein function. In summary, the available evidence is currently insufficient to determine the role of this variant in disease. Therefore, it has been classified as a Variant of Uncertain Significance.

NM_001012759.3(CTU2):c.904G>A (p.Val302Met)

Gene: CTU2 (cytosolic thiouridylase subunit 2; plus strand). Cytogenetic location: 16q24.3.
Variant type: single nucleotide variant.
Coding change: c.904G>A on transcript NM_001012759.3 (MANE Select); coding-DNA position 904, G replaced by A.
Protein change: p.Val302Met; replaces valine 302 with methionine.
Molecular consequence: missense variant.
Genome position (GRCh38, 1-based): chr16:88,713,677, G>A. VCF-style: chr16-88713677-G-A. GRCh37 (hg19) VCF-style: chr16-88780085-G-A.
Other names: c.904G>A, p.Val302Met (NM_001012762.3); c.1117G>A, p.Val373Met (NM_001318507.2); c.643G>A, p.Val215Met (NM_001318513.2); short protein forms V373M, V302M, V215M.
Identifiers: ClinVar variation 2067071 (VCV002067071.4), dbSNP rs1213257188, ClinGen allele CA397065171.